The following is an entry in ClinVar:

ClinVar aggregate classification (germline): Likely benign. Review status: criteria provided, multiple submitters, no conflicts (2 of 4 stars). 6 submissions from 6 submitters: Likely benign (6). Last evaluated 2026-01-28.

Allele frequency attached by ClinVar (database versions not stated): 1000 Genomes Project 30x 0.00234; 1000 Genomes Project 0.00260; TOPMed 0.00293.
gnomAD v4.1: 667 of 1,255,890 alleles (0.053%); highest among the groups gnomAD compares: African/African-American, 0.98%; 6 homozygotes.

Submissions (6):

Labcorp Genetics (formerly Invitae), Labcorp
Classification: Likely benign. Last evaluated: 2026-01-28. Review status: criteria provided, single submitter. Criteria: Invitae Variant Classification Sherloc (09022015). Collection method: clinical testing. Allele origin: germline.

Blueprint Genetics
Classification: Likely benign. Last evaluated: 2024-11-06. Review status: criteria provided, single submitter. Criteria: ACMG Guidelines, 2015. Collection method: clinical testing. Allele origin: germline.

CeGaT Center for Human Genetics Tuebingen
Classification: Likely benign. Last evaluated: 2024-05-01. Review status: criteria provided, single submitter. Criteria: CeGaT Center For Human Genetics Tuebingen Variant Classification Criteria Version 2. Collection method: clinical testing. Allele origin: germline. Affected: yes. Observed: 1 variant allele.
Comment: GIPC3: BP4, BP7, BS2

GeneDx
Classification: Likely benign. Last evaluated: 2021-02-25. Review status: criteria provided, single submitter. Criteria: GeneDx Variant Classification Process June 2021. Collection method: clinical testing. Allele origin: germline. Affected: yes.

Laboratory for Molecular Medicine, Mass General Brigham Personalized Medicine
Classification: Likely benign. Last evaluated: 2016-02-07. Review status: criteria provided, single submitter. Criteria: LMM Criteria. Collection method: clinical testing. Allele origin: germline. Observed: 1 variant allele.
Comment: p.Ala23Ala in exon 1 of GIPC3: This variant is not expected to have clinical sig nificance because it does not alter an amino acid residue and it is not located within the splice consensus sequence, has been identified in 1/42 African chromo somes by the Exome Aggregation Consortium (ExAC; dbSNP rs150473323).

Breakthrough Genomics
Classification: Likely benign. Review status: criteria provided, single submitter. Criteria: ACMG Guidelines, 2015. Collection method: not provided. Allele origin: germline. Inheritance: Autosomal recessive inheritance. Affected: yes.

NM_133261.3(GIPC3):c.69G>C (p.Ala23=)

Gene: GIPC3 (GIPC PDZ domain containing family member 3; plus strand). Cytogenetic location: 19p13.3.
Variant type: single nucleotide variant.
Coding change: c.69G>C on transcript NM_133261.3 (MANE Select); coding-DNA position 69, G replaced by C.
Protein change: p.Ala23=; no amino-acid change (alanine 23 retained).
Molecular consequence: synonymous variant.
Genome position (GRCh38, 1-based): chr19:3,585,666, G>C. VCF-style: chr19-3585666-G-C. GRCh37 (hg19) VCF-style: chr19-3585664-G-C.
Identifiers: ClinVar variation 227381 (VCV000227381.35), dbSNP rs150473323, ClinGen allele CA9080325.